The following is an entry in ClinVar:

ClinVar aggregate classification (germline): Uncertain significance (1 of 4 stars; one submission).

Conditions:
ALMS1-related disorder. Also called: ALMS1-related condition.

Submission:

PreventionGenetics, part of Exact Sciences
Classification: Uncertain significance for ALMS1-related condition. Last evaluated: 2025-09-30. Review status: criteria provided, single submitter. Criteria: ACMG Guidelines, 2015. Collection method: clinical testing. Allele origin: germline.
Comment: The ALMS1 c.2575T>C variant is predicted to result in the amino acid substitution p.Ser859Pro. To our knowledge, this variant has not been reported in the literature or in a large population database (gnomAD), indicating this variant is rare. At this time, the clinical significance of this variant is uncertain due to the absence of conclusive functional and genetic evidence.

NM_001378454.1(ALMS1):c.2572T>C (p.Ser858Pro)

Gene: ALMS1 (ALMS1 centrosome and basal body associated protein; plus strand). Cytogenetic location: 2p13.1.
Variant type: single nucleotide variant.
Coding change: c.2572T>C on transcript NM_001378454.1 (MANE Select); coding-DNA position 2572, T replaced by C.
Protein change: p.Ser858Pro; replaces serine 858 with proline.
Molecular consequence: missense variant.
Genome position (GRCh38, 1-based): chr2:73,449,099, T>C. VCF-style: chr2-73449099-T-C. GRCh37 (hg19) VCF-style: chr2-73676226-T-C.
Other names: c.2575T>C, p.Ser859Pro (NM_015120.4); short protein forms S858P, S859P.
Identifiers: ClinVar variation 4996577 (VCV004996577.1).